The following is an entry in ClinVar:

ClinVar aggregate classification (germline): Likely benign. Review status: criteria provided, single submitter (1 of 4 stars). 2 submissions from 2 submitters: Likely benign (1). 1 of the submissions does not count toward it. Last evaluated 2023-08-29.

Conditions:
Familial cancer of breast. Also called: BREAST CANCER, FAMILIAL; Hereditary breast cancer; hereditary breast carcinoma. Identifiers: Orphanet 227535, MedGen C0346153, MONDO:0016419, OMIM 114480. Disease mechanism: loss of function.

Submissions (2):

Ophthalmic Genetics Group, Institute of Molecular and Clinical Ophthalmology Basel
Classification: Likely benign for Familial cancer of breast. Last evaluated: 2023-08-29. Review status: criteria provided, single submitter. Criteria: ACMG Guidelines, 2015. Collection method: curation. Allele origin: unknown.
Comment: Clinical significance based on ACMG v2.0

This variant was classified as Likely benign based on ACMG criteria: BS1 and BP7.

Department of Zoology Govt. MVM College
Classification: Likely pathogenic for Familial cancer of breast. Review status: no assertion criteria provided. Collection method: not provided. Allele origin: unknown. Not counted in ClinVar's aggregate classification.
Comment: KM270516
ClinVar note: Converted during submission from probable-pathogenic to Likely pathogenic.

NC_012920.1(MT-CYB):m.15355G>A

Gene: MT-CYB (mitochondrially encoded cytochrome b; plus strand).
Variant type: single nucleotide variant.
Genome position: chrM-15355-G-A.
Identifiers: ClinVar variation 143886 (VCV000143886.4), dbSNP rs527236181, ClinGen allele CA270614.